The following is an entry in ClinVar:

ClinVar aggregate classification (germline): Likely benign (1 of 4 stars; one submission).

Submission:

CeGaT Center for Human Genetics Tuebingen
Classification: Likely benign. Last evaluated: 2026-03-01. Review status: criteria provided, single submitter. Criteria: CeGaT Center For Human Genetics Tuebingen Variant Classification Criteria Version 2. Collection method: clinical testing. Allele origin: germline. Affected: yes. Observed: 3 variant alleles.
Comment: MAGEL2: PM4, BS2

NM_019066.5(MAGEL2):c.1306_1326del (p.Leu436_Pro442del)

Gene: MAGEL2 (MAGE family member L2; minus strand). Cytogenetic location: 15q11.2.
Variant type: Deletion.
Coding change: c.1306_1326del on transcript NM_019066.5 (MANE Select); coding-DNA positions 1306 to 1326, 21 bases deleted (CTGATCCGCCAGGCCCCACCG).
Protein change: p.Leu436_Pro442del.
Molecular consequence: inframe deletion.
Genome position (GRCh38, 1-based): chr15:23,646,417-23,646,437, CGGTGGGGCCTGGCGGATCAG deleted on the plus strand (CTGATCCGCCAGGCCCCACCG on the coding strand, the reverse complement: MAGEL2 is on the minus strand); deleting any 21 consecutive bases within chr15:23,646,417-23,646,449 gives the same sequence; the c. name uses the placement nearest the transcript's 3' end. VCF-style (leftmost placement, unchanged base first): chr15-23646416-CCGGTGGGGCCTGGCGGATCAG-C. GRCh37 (hg19) VCF-style: chr15-23891563-CCGGTGGGGCCTGGCGGATCAG-C.
Identifiers: ClinVar variation 2644994 (VCV002644994.24), dbSNP rs1566784745, ClinGen allele CA489229114.